The following is an entry in ClinVar:

NM_003579.4(RAD54L):c.2004T>A (p.Asp668Glu)

Genes: LRRC41 (leucine rich repeat containing 41; minus strand), RAD54L (RAD54 like; plus strand). Cytogenetic location: 1p34.1.
Variant type: single nucleotide variant.
Coding change: c.2004T>A on transcript NM_003579.4 (MANE Select); coding-DNA position 2004, T replaced by A.
Protein change: p.Asp668Glu; replaces aspartic acid 668 with glutamic acid.
Molecular consequence: missense variant. On other transcripts: 3 prime UTR variant (1).
Genome position (GRCh38, 1-based): chr1:46,277,951, T>A. VCF-style: chr1-46277951-T-A. GRCh37 (hg19) VCF-style: chr1-46743623-T-A.
Other names: c.*914A>T (NM_006369.5); c.2004T>A, p.Asp668Glu (NM_001142548.2); c.1464T>A, p.Asp488Glu (NM_001370766.1); short protein forms D668E, D488E.
Identifiers: ClinVar variation 1784302 (VCV001784302.2), dbSNP rs2525730110, ClinGen allele CA340190320.

ClinVar aggregate classification (germline): Uncertain significance (1 of 4 stars; one submission).

Submission:

Ambry Genetics
Classification: Uncertain significance. Last evaluated: 2021-12-18. Review status: criteria provided, single submitter. Criteria: Ambry Variant Classification Scheme 2023. Collection method: clinical testing. Allele origin: germline.
Comment: The p.D668E variant (also known as c.2004T>A), located in coding exon 17 of the RAD54L gene, results from a T to A substitution at nucleotide position 2004. The aspartic acid at codon 668 is replaced by glutamic acid, an amino acid with highly similar properties. This amino acid position is conserved. In addition, this alteration is predicted to be tolerated by in silico analysis. Since supporting evidence is limited at this time, the clinical significance of this alteration remains unclear.